The following is an entry in ClinVar:

ClinVar aggregate classification (germline): Uncertain significance (1 of 4 stars; one submission).

Conditions:
Neurodevelopmental disorder with hypotonia, brain anomalies, distinctive facies, and absent language. Also called: ReNU SYNDROME; RNU4-2-Related Neurodevelopmental Disorder; RNU4-2–Related Autosomal Dominant Neurodevelopmental Disorder. Identifiers: Orphanet 686488, MedGen C5935628, MONDO:0971172, OMIM 620851.

Submission:

Centre for Population Genomics, CPG
Classification: Uncertain significance for RNU4-2-Related Neurodevelopmental Disorder. Last evaluated: 2026-02-11. Review status: criteria provided, single submitter. Criteria: Ellingford et al. (Genome Med. 2022). Collection method: research. Allele origin: germline. Inheritance: Autosomal recessive inheritance. Affected: yes. Observed: 1 variant allele, 1 compound heterozygote.
Comment: PM2_supp,PM1

NR_003137.3(RNU4-2):n.7_8insA

Genes: RNU4-2 (RNA, U4 small nuclear 2; minus strand), SIRT4 (sirtuin 4; plus strand). Cytogenetic location: 12q24.23.
Variant type: Insertion.
Molecular consequence: non-coding transcript variant (on NR_003137.3).
Genome position: GRCh38 VCF-style: chr12-120291896-G-GT. GRCh37 (hg19) VCF-style: chr12-120729699-G-GT.
Identifiers: ClinVar variation 4795808 (VCV004795808.1).